The following is an entry in ClinVar:

ClinVar aggregate classification (germline): Uncertain significance (1 of 4 stars; one submission).

Conditions:
Inborn genetic diseases. Identifiers: MedGen C0950123, MeSH D030342.

gnomAD v4.1: 2 of 1,602,560 alleles (0.00012%); no homozygotes.

Submission:

Ambry Genetics
Classification: Uncertain significance for Inborn genetic diseases. Last evaluated: 2026-05-27. Review status: criteria provided, single submitter. Criteria: Ambry Variant Classification Scheme 2023. Collection method: clinical testing. Allele origin: germline.
Comment: The c.6091T>G (p.S2031A) alteration is located in exon 48 (coding exon 46) of the NEB gene. This alteration results from a T to G substitution at nucleotide position 6091, causing the serine (S) at amino acid position 2031 to be replaced by an alanine (A). Based on data from gnomAD, the G allele has an overall frequency of <0.001% (1/238006) total alleles studied. The highest observed frequency was <0.001% (/) of alleles. Based on insufficient or conflicting evidence, the clinical significance of this alteration remains unclear.

NM_001164508.2(NEB):c.6091T>G (p.Ser2031Ala)

Gene: NEB (nebulin; minus strand). Cytogenetic location: 2q23.3.
Variant type: single nucleotide variant.
Coding change: c.6091T>G on transcript NM_001164508.2 (MANE Select); coding-DNA position 6091, T replaced by G.
Protein change: p.Ser2031Ala; replaces serine 2031 with alanine.
Molecular consequence: missense variant.
Genome position (GRCh38, 1-based): chr2:151,658,075, A>C on the plus strand (T>G on the coding strand, the complement: NEB is on the minus strand). VCF-style: chr2-151658075-A-C. GRCh37 (hg19) VCF-style: chr2-152514589-A-C.
Other names: c.6091T>G, p.Ser2031Ala (NM_001271208.2, NM_004543.5, NM_001164507.2); short protein forms S2031A.
Identifiers: ClinVar variation 4860792 (VCV004860792.1).